The following is an entry in ClinVar:

ClinVar aggregate classification (germline): Uncertain significance (1 of 4 stars; one submission).

Conditions:
Early-onset Lafora body disease. Also called: Epilepsy, progressive myoclonic, 10. Identifiers: Orphanet 324290, MedGen C4225258, MONDO:0014717, OMIM 616640.

Allele frequency attached by ClinVar (database versions not stated): gnomAD exomes below 0.00001 and 0.00002; ExAC 0.00001; gnomAD 0.00001 and 0.00002; TOPMed 0.00001.
gnomAD v4.1: 12 of 1,613,964 alleles (0.00074%); highest among the groups gnomAD compares: African/African-American, 0.0013%; no homozygotes.

Submission:

Labcorp Genetics (formerly Invitae), Labcorp
Classification: Uncertain significance for Early-onset Lafora body disease. Last evaluated: 2024-11-11. Review status: criteria provided, single submitter. Criteria: Invitae Variant Classification Sherloc (09022015). Collection method: clinical testing. Allele origin: germline.
Comment: This sequence change replaces isoleucine, which is neutral and non-polar, with valine, which is neutral and non-polar, at codon 40 of the PRDM8 protein (p.Ile40Val). This variant is present in population databases (rs772463473, gnomAD 0.007%). This variant has not been reported in the literature in individuals affected with PRDM8-related conditions. ClinVar contains an entry for this variant (Variation ID: 1475554). Invitae Evidence Modeling of protein sequence and biophysical properties (such as structural, functional, and spatial information, amino acid conservation, physicochemical variation, residue mobility, and thermodynamic stability) indicates that this missense variant is not expected to disrupt PRDM8 protein function with a negative predictive value of 80%. In summary, the available evidence is currently insufficient to determine the role of this variant in disease. Therefore, it has been classified as a Variant of Uncertain Significance.

NM_001099403.2(PRDM8):c.118A>G (p.Ile40Val)

Gene: PRDM8 (PR/SET domain 8; plus strand). Cytogenetic location: 4q21.21.
Variant type: single nucleotide variant.
Coding change: c.118A>G on transcript NM_001099403.2 (MANE Select); coding-DNA position 118, A replaced by G.
Protein change: p.Ile40Val; replaces isoleucine 40 with valine.
Molecular consequence: missense variant.
Genome position (GRCh38, 1-based): chr4:80,200,198, A>G. VCF-style: chr4-80200198-A-G. GRCh37 (hg19) VCF-style: chr4-81121352-A-G.
Other names: c.118A>G, p.Ile40Val (NM_020226.4); short protein forms I40V.
Identifiers: ClinVar variation 1475554 (VCV001475554.7), dbSNP rs772463473, ClinGen allele CA2982133.